The following is an entry in ClinVar:

ClinVar aggregate classification (germline): Benign (1 of 4 stars; one submission).

Allele frequency attached by ClinVar (database versions not stated): TOPMed 0.26211; 1000 Genomes Project 30x 0.27467; gnomAD 0.27655; 1000 Genomes Project 0.28075; ESP Exome Variant Server 0.28110; ExAC 0.29996; gnomAD exomes 0.30988.
gnomAD v4.1: 490,852 of 1,600,174 alleles (31%); highest among the groups gnomAD compares: East Asian, 43%; 76,856 homozygotes.

Submission:

Unidad de Genómica Garrahan, Hospital de Pediatría Garrahan
Classification: Benign. Last evaluated: 2024-01-24. Review status: criteria provided, single submitter. Criteria: ACMG Guidelines, 2015. Collection method: clinical testing. Allele origin: germline. Affected: no. Observed: 41 variant alleles.
Comment: This variant is classified as Benign based on local population frequency. This variant was detected in 43% of patients studied by a panel of primary immunodeficiencies. Number of patients: 41. Only high quality variants are reported.

NM_018518.5(MCM10):c.1098+19G>A

Gene: MCM10 (minichromosome maintenance 10 replication initiation factor; plus strand). Cytogenetic location: 10p13.
Variant type: single nucleotide variant.
Coding change: c.1098+19G>A on transcript NM_018518.5 (MANE Select); 19 bases into the intron after coding-DNA position 1098, G replaced by A.
Molecular consequence: intron variant.
Genome position (GRCh38, 1-based): chr10:13,183,119, G>A. VCF-style: chr10-13183119-G-A. GRCh37 (hg19) VCF-style: chr10-13225119-G-A.
Other names: c.1101+19G>A (NM_182751.3).
Identifiers: ClinVar variation 2688157 (VCV002688157.2), dbSNP rs11258235, ClinGen allele CA5411403.